The following is an entry in ClinVar:

ClinVar aggregate classification (germline): Benign/Likely benign. Review status: criteria provided, multiple submitters, no conflicts (2 of 4 stars). 6 submissions from 6 submitters: Benign (2); Likely benign (3). 1 of the submissions does not count toward it. Last evaluated 2026-01-21.

Conditions:
Hereditary cancer-predisposing syndrome. Also called: Tumor predisposition; Hereditary Cancer Syndrome; Neoplastic Syndromes, Hereditary; Hereditary neoplastic syndrome. Identifiers: Orphanet 140162, MedGen C0027672, MeSH D009386, MONDO:0015356.
Multiple endocrine neoplasia, type 1 (MEN1). Also called: Endocrine adenomatosis multiple; MEN 1; MEN I; WERMER SYNDROME; MEA I. Identifiers: Orphanet 652, MedGen C0025267, MeSH D018761, MONDO:0007540, OMIM 131100.

Allele frequency attached by ClinVar (database versions not stated): gnomAD exomes 0.00001 and 0.00002; ExAC 0.00002; gnomAD 0.00011; TOPMed 0.00028; 1000 Genomes Project 0.00040; 1000 Genomes Project 30x 0.00047.
gnomAD v4.1: 23 of 1,614,124 alleles (0.0014%); highest among the groups gnomAD compares: Admixed American, 0.035%; no homozygotes.

Submissions (6):

Labcorp Genetics (formerly Invitae), Labcorp
Classification: Benign for Multiple endocrine neoplasia, type 1. Last evaluated: 2026-01-21. Review status: criteria provided, single submitter. Criteria: Invitae Variant Classification Sherloc (09022015). Collection method: clinical testing. Allele origin: germline.

Myriad Genetics, Inc.
Classification: Benign for Multiple endocrine neoplasia, type 1. Last evaluated: 2023-04-17. Review status: criteria provided, single submitter. Criteria: Myriad Autosomal Dominant, Autosomal Recessive and X-Linked Classification Criteria (2023). Collection method: clinical testing. Allele origin: unknown.
Comment: This variant is considered benign. This variant is a silent/synonymous amino acid change and it is not expected to impact splicing.

Color Diagnostics, LLC DBA Color Health
Classification: Likely benign for Multiple endocrine neoplasia, type 1. Last evaluated: 2022-11-06. Review status: criteria provided, single submitter. Criteria: ACMG Guidelines, 2015. Collection method: clinical testing. Allele origin: germline.

Sema4
Classification: Likely benign for Hereditary cancer-predisposing syndrome. Last evaluated: 2021-03-22. Review status: criteria provided, single submitter. Criteria: Sema4 Curation Guidelines. Collection method: curation. Allele origin: germline.

Ambry Genetics
Classification: Likely benign for Hereditary cancer-predisposing syndrome. Last evaluated: 2016-01-14. Review status: criteria provided, single submitter. Criteria: Ambry Variant Classification Scheme 2023. Collection method: clinical testing. Allele origin: germline.

Counsyl
Classification: Likely benign for Multiple endocrine neoplasia, type 1. Last evaluated: 2015-12-04. Review status: no assertion criteria provided. Collection method: clinical testing. Allele origin: unknown. Not counted in ClinVar's aggregate classification.

NM_001370259.2(MEN1):c.339C>T (p.Ser113=)

Gene: MEN1 (menin 1; minus strand). Cytogenetic location: 11q13.1.
Variant type: single nucleotide variant.
Coding change: c.339C>T on transcript NM_001370259.2 (MANE Select); coding-DNA position 339, C replaced by T.
Protein change: p.Ser113=; no amino-acid change (serine 113 retained).
Molecular consequence: synonymous variant.
Genome position (GRCh38, 1-based): chr11:64,809,771, G>A on the plus strand (C>T on the coding strand, the complement: MEN1 is on the minus strand). VCF-style: chr11-64809771-G-A. GRCh37 (hg19) VCF-style: chr11-64577243-G-A.
Other names: c.339C>T, p.Ser113= (NM_000244.4, NM_001370251.2, NM_001370260.2 and 9 more transcripts).
Identifiers: ClinVar variation 215964 (VCV000215964.20), dbSNP rs559635859, ClinGen allele CA061082.